The following is an entry in ClinVar:

NM_001374828.1(ARID1B):c.5365A>C (p.Ser1789Arg)

Gene: ARID1B (AT-rich interaction domain 1B; plus strand). Cytogenetic location: 6q25.3.
Variant type: single nucleotide variant.
Coding change: c.5365A>C on transcript NM_001374828.1 (MANE Select); coding-DNA position 5365, A replaced by C.
Protein change: p.Ser1789Arg; replaces serine 1789 with arginine.
Molecular consequence: missense variant.
Genome position (GRCh38, 1-based): chr6:157,203,967, A>C. VCF-style: chr6-157203967-A-C. GRCh37 (hg19) VCF-style: chr6-157525101-A-C.
Other names: c.2866A>C, p.Ser956Arg (NM_001363725.2); c.5245A>C, p.Ser1749Arg (NM_001371656.1, NM_001374820.1); c.5494A>C, p.Ser1832Arg (NM_001438482.1); c.5407A>C, p.Ser1803Arg (NM_001438483.1); c.5275A>C, p.Ser1759Arg (NM_001438485.1); c.5248A>C, p.Ser1750Arg (NM_001438486.1); c.5185A>C, p.Ser1729Arg (NM_001438487.1); c.2707A>C, p.Ser903Arg (NM_001438488.1); and 1 more; short protein forms S1729R, S1736R, S1749R, S1750R, S1759R, S1789R, S1803R, S1832R.
Identifiers: ClinVar variation 4801405 (VCV004801405.1).
Genomic context (GRCh38, chr6:157,203,967, plus strand): 5'-GGTCTTTTGGCTGAGAGTACGTGGGCTTTGGACACTATTAATATTCTTCTGTATGATGAC[A>C]GCACTGTTGCTACTTTCAATCTCTCCCAGGTAAGCCAGCATAGTCCAACTAACAACCAAA-3'
Protein context (NP_001361757.1, residues 1779-1799): DTINILLYDD[Ser1789Arg]TVATFNLSQL

ClinVar aggregate classification (germline): Uncertain significance (1 of 4 stars; one submission).

Submission:

Labcorp Genetics (formerly Invitae), Labcorp
Classification: Uncertain significance. Last evaluated: 2025-04-17. Review status: criteria provided, single submitter. Criteria: Invitae Variant Classification Sherloc (09022015). Collection method: clinical testing. Allele origin: germline.
Comment: This sequence change replaces serine, which is neutral and polar, with arginine, which is basic and polar, at codon 1666 of the ARID1B protein (p.Ser1666Arg). This variant is not present in population databases (gnomAD no frequency). This variant has not been reported in the literature in individuals affected with ARID1B-related conditions. Invitae Evidence Modeling of protein sequence and biophysical properties (such as structural, functional, and spatial information, amino acid conservation, physicochemical variation, residue mobility, and thermodynamic stability) indicates that this missense variant is not expected to disrupt ARID1B protein function with a negative predictive value of 95%. In summary, the available evidence is currently insufficient to determine the role of this variant in disease. Therefore, it has been classified as a Variant of Uncertain Significance.